The following is an entry in ClinVar:

NM_000066.4(C8B):c.829C>G (p.His277Asp)

Gene: C8B (complement C8 beta chain; minus strand). Cytogenetic location: 1p32.2.
Variant type: single nucleotide variant.
Coding change: c.829C>G on transcript NM_000066.4 (MANE Select); coding-DNA position 829, C replaced by G.
Protein change: p.His277Asp; replaces histidine 277 with aspartic acid.
Molecular consequence: missense variant.
Genome position (GRCh38, 1-based): chr1:56,949,590, G>C on the plus strand (C>G on the coding strand, the complement: C8B is on the minus strand). VCF-style: chr1-56949590-G-C. GRCh37 (hg19) VCF-style: chr1-57415263-G-C.
Other names: c.673C>G, p.His225Asp (NM_001278543.2); c.643C>G, p.His215Asp (NM_001278544.2); short protein forms H225D, H215D, H277D.
Identifiers: ClinVar variation 1410146 (VCV001410146.3), dbSNP rs147387692, ClinGen allele CA875853.

ClinVar aggregate classification (germline): Uncertain significance (1 of 4 stars; one submission).

Allele frequency attached by ClinVar (database versions not stated): 1000 Genomes Project 0.00060; ESP Exome Variant Server 0.00077; 1000 Genomes Project 30x 0.00078.
gnomAD v4.1: 127 of 1,614,002 alleles (0.0079%); highest among the groups gnomAD compares: African/African-American, 0.16%; no homozygotes.

Submission:

Labcorp Genetics (formerly Invitae), Labcorp
Classification: Uncertain significance. Last evaluated: 2022-09-07. Review status: criteria provided, single submitter. Criteria: Invitae Variant Classification Sherloc (09022015). Collection method: clinical testing. Allele origin: germline.
Comment: This sequence change replaces histidine, which is basic and polar, with aspartic acid, which is acidic and polar, at codon 277 of the C8B protein (p.His277Asp). This variant is present in population databases (rs147387692, gnomAD 0.2%). This variant has not been reported in the literature in individuals affected with C8B-related conditions. ClinVar contains an entry for this variant (Variation ID: 1410146). Algorithms developed to predict the effect of missense changes on protein structure and function (SIFT, PolyPhen-2, Align-GVGD) all suggest that this variant is likely to be tolerated. In summary, the available evidence is currently insufficient to determine the role of this variant in disease. Therefore, it has been classified as a Variant of Uncertain Significance.